The following is an entry in ClinVar:

ClinVar aggregate classification (germline): Pathogenic (1 of 4 stars; one submission).

Allele frequency attached by ClinVar (database versions not stated): gnomAD exomes below 0.00001; TOPMed below 0.00001.
gnomAD v4.1: 1 of 1,598,906 alleles (0.000063%); highest among the groups gnomAD compares: Non-Finnish European, 0.000086%; no homozygotes.

Submission:

Labcorp Genetics (formerly Invitae), Labcorp
Classification: Pathogenic. Last evaluated: 2023-10-08. Review status: criteria provided, single submitter. Criteria: Invitae Variant Classification Sherloc (09022015). Collection method: clinical testing. Allele origin: germline.
Comment: This sequence change affects an acceptor splice site in intron 3 of the MUT gene. It is expected to disrupt RNA splicing. Variants that disrupt the donor or acceptor splice site typically lead to a loss of protein function (PMID: 16199547), and loss-of-function variants in MUT are known to be pathogenic (PMID: 15781192). This variant is not present in population databases (gnomAD no frequency). Disruption of this splice site has been observed in individual(s) with methylmalonic acidemia (PMID: 26454439). ClinVar contains an entry for this variant (Variation ID: 2136407). Algorithms developed to predict the effect of sequence changes on RNA splicing suggest that this variant may disrupt the consensus splice site. For these reasons, this variant has been classified as Pathogenic.

Literature cited by the submitters: PubMed 16199547; PubMed 15781192; PubMed 26454439.

NM_000255.4(MMUT):c.754-1G>A

Gene: MMUT (methylmalonyl-CoA mutase; minus strand). Cytogenetic location: 6p12.3.
Variant type: single nucleotide variant.
Coding change: c.754-1G>A on transcript NM_000255.4 (MANE Select); the canonical splice acceptor site of the intron before coding-DNA position 754, G replaced by A.
Molecular consequence: splice acceptor variant.
Genome position (GRCh38, 1-based): chr6:49,456,238, C>T on the plus strand (G>A on the coding strand, the complement: MMUT is on the minus strand). VCF-style: chr6-49456238-C-T. GRCh37 (hg19) VCF-style: chr6-49423951-C-T.
Identifiers: ClinVar variation 2136407 (VCV002136407.4), dbSNP rs76175991, ClinGen allele CA364402849.